The following is an entry in ClinVar:

ClinVar aggregate classification (germline): Uncertain significance (1 of 4 stars; one submission).

Submission:

Labcorp Genetics (formerly Invitae), Labcorp
Classification: Uncertain significance. Last evaluated: 2022-11-25. Review status: criteria provided, single submitter. Criteria: Invitae Variant Classification Sherloc (09022015). Collection method: clinical testing. Allele origin: germline.
Comment: This sequence change replaces aspartic acid, which is acidic and polar, with glutamic acid, which is acidic and polar, at codon 34 of the ZBTB18 protein (p.Asp34Glu). This variant is not present in population databases (gnomAD no frequency). This variant has not been reported in the literature in individuals affected with ZBTB18-related conditions. Advanced modeling of protein sequence and biophysical properties (such as structural, functional, and spatial information, amino acid conservation, physicochemical variation, residue mobility, and thermodynamic stability) performed at Invitae indicates that this missense variant is expected to disrupt ZBTB18 protein function. In summary, the available evidence is currently insufficient to determine the role of this variant in disease. Therefore, it has been classified as a Variant of Uncertain Significance.

NM_205768.3(ZBTB18):c.102C>G (p.Asp34Glu)

Gene: ZBTB18 (zinc finger and BTB domain containing 18; plus strand). Cytogenetic location: 1q44.
Variant type: single nucleotide variant.
Coding change: c.102C>G on transcript NM_205768.3 (MANE Select); coding-DNA position 102, C replaced by G.
Protein change: p.Asp34Glu; replaces aspartic acid 34 with glutamic acid.
Molecular consequence: missense variant.
Genome position (GRCh38, 1-based): chr1:244,053,876, C>G. VCF-style: chr1-244053876-C-G. GRCh37 (hg19) VCF-style: chr1-244217178-C-G.
Other names: c.75C>G, p.Asp25Glu (NM_001278196.2, NM_006352.5); c.102C>G, p.Asp34Glu (NM_001421566.1); short protein forms D25E, D34E.
Identifiers: ClinVar variation 2793518 (VCV002793518.3), dbSNP rs2527554752, ClinGen allele CA345672138.